The following is an entry in ClinVar:

ClinVar aggregate classification (germline): Uncertain significance (1 of 4 stars; one submission).

Allele frequency attached by ClinVar (database versions not stated): gnomAD 0.00001; ExAC 0.00003; gnomAD exomes 0.00003 and 0.00005; TOPMed 0.00003.
gnomAD v4.1: 74 of 1,588,552 alleles (0.0047%); highest among the groups gnomAD compares: Non-Finnish European, 0.0063%; no homozygotes.

Submission:

Labcorp Genetics (formerly Invitae), Labcorp
Classification: Uncertain significance. Last evaluated: 2024-10-24. Review status: criteria provided, single submitter. Criteria: Invitae Variant Classification Sherloc (09022015). Collection method: clinical testing. Allele origin: germline.
Comment: This sequence change replaces proline, which is neutral and non-polar, with leucine, which is neutral and non-polar, at codon 422 of the BCL11B protein (p.Pro422Leu). This variant is present in population databases (rs777519614, gnomAD 0.006%). This missense change has been observed in individual(s) with craniosynostosis (PMID: 34900871). ClinVar contains an entry for this variant (Variation ID: 1059679). Invitae Evidence Modeling of protein sequence and biophysical properties (such as structural, functional, and spatial information, amino acid conservation, physicochemical variation, residue mobility, and thermodynamic stability) indicates that this missense variant is not expected to disrupt BCL11B protein function with a negative predictive value of 95%. In summary, the available evidence is currently insufficient to determine the role of this variant in disease. Therefore, it has been classified as a Variant of Uncertain Significance.

Literature cited by the submitters: PubMed 34900871.

NM_138576.4(BCL11B):c.1265C>T (p.Pro422Leu)

Gene: BCL11B (BCL11 transcription factor B; minus strand). Cytogenetic location: 14q32.2.
Variant type: single nucleotide variant.
Coding change: c.1265C>T on transcript NM_138576.4 (MANE Select); coding-DNA position 1265, C replaced by T.
Protein change: p.Pro422Leu; replaces proline 422 with leucine.
Molecular consequence: missense variant.
Genome position (GRCh38, 1-based): chr14:99,175,571, G>A on the plus strand (C>T on the coding strand, the complement: BCL11B is on the minus strand). VCF-style: chr14-99175571-G-A. GRCh37 (hg19) VCF-style: chr14-99641908-G-A.
Other names: c.1262C>T, p.Pro421Leu (NM_001282237.2); c.1049C>T, p.Pro350Leu (NM_001282238.2); c.1052C>T, p.Pro351Leu (NM_022898.3); short protein forms P350L, P351L, P421L, P422L.
Identifiers: ClinVar variation 1059679 (VCV001059679.7), dbSNP rs777519614, ClinGen allele CA7339692.